The following is an entry in ClinVar:

NM_001322934.2(NFKB2):c.2368A>T (p.Ser790Cys)

Gene: NFKB2 (nuclear factor kappa B subunit 2; plus strand). Cytogenetic location: 10q24.32.
Variant type: single nucleotide variant.
Coding change: c.2368A>T on transcript NM_001322934.2 (MANE Select); coding-DNA position 2368, A replaced by T.
Protein change: p.Ser790Cys; replaces serine 790 with cysteine.
Molecular consequence: missense variant.
Genome position (GRCh38, 1-based): chr10:102,401,819, A>T. VCF-style: chr10-102401819-A-T. GRCh37 (hg19) VCF-style: chr10-104161576-A-T.
Other names: c.2368A>T, p.Ser790Cys (NM_001077494.3, NM_001261403.3, NM_001288724.1 and 1 more transcripts); c.2242A>T, p.Ser748Cys (NM_001322935.1); short protein forms S748C, S790C.
Identifiers: ClinVar variation 1503813 (VCV001503813.8), dbSNP rs2135441739, ClinGen allele CA377905624.

ClinVar aggregate classification (germline): Uncertain significance (1 of 4 stars; one submission).

Conditions:
Immunodeficiency, common variable, 10. Also called: IMMUNODEFICIENCY, COMMON VARIABLE, WITH CENTRAL ADRENAL INSUFFICIENCY; DEFICIT IN ANTERIOR PITUITARY FUNCTION AND VARIABLE IMMUNODEFICIENCY. Identifiers: MedGen C3809991, MONDO:0014260, OMIM 615577.

Submission:

Labcorp Genetics (formerly Invitae), Labcorp
Classification: Uncertain significance for Immunodeficiency, common variable, 10. Last evaluated: 2021-07-06. Review status: criteria provided, single submitter. Criteria: Invitae Variant Classification Sherloc (09022015). Collection method: clinical testing. Allele origin: germline.
Comment: This variant is not present in population databases (ExAC no frequency). This sequence change replaces serine with cysteine at codon 790 of the NFKB2 protein (p.Ser790Cys). The serine residue is weakly conserved and there is a moderate physicochemical difference between serine and cysteine. This variant has not been reported in the literature in individuals affected with NFKB2-related conditions. Algorithms developed to predict the effect of missense changes on protein structure and function are either unavailable or do not agree on the potential impact of this missense change (SIFT: "Tolerated"; PolyPhen-2: "Possibly Damaging"; Align-GVGD: "Class C0"). In summary, the available evidence is currently insufficient to determine the role of this variant in disease. Therefore, it has been classified as a Variant of Uncertain Significance.